The following is an entry in ClinVar:

NM_001200.4(BMP2):c.265C>T (p.Gln89Ter)

Gene: BMP2 (bone morphogenetic protein 2; plus strand). Cytogenetic location: 20p12.3.
Variant type: single nucleotide variant.
Coding change: c.265C>T on transcript NM_001200.4 (MANE Select); coding-DNA position 265, C replaced by T.
Protein change: p.Gln89Ter; replaces glutamine 89 with a stop codon.
Molecular consequence: nonsense.
Genome position (GRCh38, 1-based): chr20:6,770,391, C>T. VCF-style: chr20-6770391-C-T. GRCh37 (hg19) VCF-style: chr20-6751038-C-T.
Other names: c.265C>T (NM_001200.3); short protein forms Q89*.
Identifiers: ClinVar variation 1452466 (VCV001452466.8), dbSNP rs1464127693, ClinGen allele CA408260574.
Genomic context (GRCh38, chr20:6,770,391, plus strand): 5'-CCCAGCAGGGACGCCGTGGTGCCCCCCTACATGCTAGACCTGTATCGCAGGCACTCAGGT[C>T]AGCCGGGCTCACCCGCCCCAGACCACCGGTTGGAGAGGGCAGCCAGCCGAGCCAACACTG-3'

ClinVar aggregate classification (germline): Pathogenic/Likely pathogenic. Review status: criteria provided, multiple submitters, no conflicts (2 of 4 stars). 3 submissions from 3 submitters: Pathogenic (1); Likely pathogenic (2). Last evaluated 2026-04-01.

Conditions:
BMP2-related disorder. Also called: BMP2-related condition.

Allele frequency attached by ClinVar (database versions not stated): gnomAD exomes below 0.00001.
gnomAD v4.1: 1 of 1,612,842 alleles (0.000062%); highest among the groups gnomAD compares: Non-Finnish European, 0.000085%; no homozygotes.

Submissions (3):

PreventionGenetics, part of Exact Sciences
Classification: Likely pathogenic for BMP2-related condition. Last evaluated: 2026-04-01. Review status: criteria provided, single submitter. Criteria: ACMG Guidelines, 2015. Collection method: clinical testing. Allele origin: germline.
Comment: The BMP2 c.265C>T variant is predicted to result in premature protein termination (p.Gln89*). To our knowledge, this variant has not been reported in the literature or in a large population database (gnomAD), indicating this variant is rare. Nonsense variants in BMP2 are expected to be pathogenic. This variant is interpreted as likely pathogenic.

Blueprint Genetics
Classification: Likely pathogenic for BMP2-related disorders. Last evaluated: 2024-10-18. Review status: criteria provided, single submitter. Criteria: ACMG Guidelines, 2015. Collection method: clinical testing. Allele origin: germline. Affected: yes. Observed: 1 variant allele.

Labcorp Genetics (formerly Invitae), Labcorp
Classification: Pathogenic. Last evaluated: 2021-11-27. Review status: criteria provided, single submitter. Criteria: Invitae Variant Classification Sherloc (09022015). Collection method: clinical testing. Allele origin: germline.
Comment: For these reasons, this variant has been classified as Pathogenic. This variant has not been reported in the literature in individuals affected with BMP2-related conditions. This variant is not present in population databases (gnomAD no frequency). This sequence change creates a premature translational stop signal (p.Gln89*) in the BMP2 gene. It is expected to result in an absent or disrupted protein product. Loss-of-function variants in BMP2 are known to be pathogenic (PMID: 29198724).

Literature cited by the submitters: PubMed 29198724 (cited by Labcorp Genetics (formerly Invitae), Labcorp).